The following is an entry in ClinVar:

ClinVar aggregate classification (germline): Uncertain significance (1 of 4 stars; one submission).

Allele frequency attached by ClinVar (database versions not stated): TOPMed below 0.00001.
gnomAD v4.1: 6 of 1,613,906 alleles (0.00037%); highest among the groups gnomAD compares: Admixed American, 0.0083%; no homozygotes.

Submission:

Labcorp Genetics (formerly Invitae), Labcorp
Classification: Uncertain significance. Last evaluated: 2024-10-24. Review status: criteria provided, single submitter. Criteria: Invitae Variant Classification Sherloc (09022015). Collection method: clinical testing. Allele origin: germline.
Comment: This sequence change replaces valine, which is neutral and non-polar, with leucine, which is neutral and non-polar, at codon 1704 of the MPDZ protein (p.Val1704Leu). This variant is present in population databases (rs763964370, gnomAD 0.01%). This variant has not been reported in the literature in individuals affected with MPDZ-related conditions. ClinVar contains an entry for this variant (Variation ID: 2417436). An algorithm developed to predict the effect of missense changes on protein structure and function (PolyPhen-2) suggests that this variant is likely to be disruptive. In summary, the available evidence is currently insufficient to determine the role of this variant in disease. Therefore, it has been classified as a Variant of Uncertain Significance.

NM_001378778.1(MPDZ):c.5110G>C (p.Val1704Leu)

Gene: MPDZ (multiple PDZ domain crumbs cell polarity complex component; minus strand). Cytogenetic location: 9p23.
Variant type: single nucleotide variant.
Coding change: c.5110G>C on transcript NM_001378778.1 (MANE Select); coding-DNA position 5110, G replaced by C.
Protein change: p.Val1704Leu; replaces valine 1704 with leucine.
Molecular consequence: missense variant.
Genome position (GRCh38, 1-based): chr9:13,121,860, C>G on the plus strand (G>C on the coding strand, the complement: MPDZ is on the minus strand). VCF-style: chr9-13121860-C-G. GRCh37 (hg19) VCF-style: chr9-13121859-C-G.
Other names: c.5011G>C, p.Val1671Leu (NM_001261406.2, NM_001261407.2, NM_001375416.1 and 3 more transcripts); c.5110G>C, p.Val1704Leu (NM_001330637.2, NM_003829.5); c.5209G>C, p.Val1737Leu (NM_001375413.1); c.4900G>C, p.Val1634Leu (NM_001375420.1, NM_001375421.1, NM_001375422.1 and 4 more transcripts); c.4702G>C, p.Val1568Leu (NM_001375427.1); short protein forms V1568L, V1634L, V1671L, V1704L, V1737L.
Identifiers: ClinVar variation 2417436 (VCV002417436.6), dbSNP rs763964370, ClinGen allele CA189279686.